The following is an entry in ClinVar:

ClinVar aggregate classification (germline): Uncertain significance (1 of 4 stars; one submission).

Conditions:
Familial adenomatous polyposis 1 (FAP1). Also called: FAMILIAL ADENOMATOUS POLYPOSIS 1, ATTENUATED; POLYPOSIS, ADENOMATOUS INTESTINAL. Identifiers: MedGen C2713442, MONDO:0021056, OMIM 175100. Disease mechanism: loss of function.

Submission:

Labcorp Genetics (formerly Invitae), Labcorp
Classification: Uncertain significance for Familial adenomatous polyposis 1. Last evaluated: 2024-01-22. Review status: criteria provided, single submitter. Criteria: Invitae Variant Classification Sherloc (09022015). Collection method: clinical testing. Allele origin: germline.
Comment: This sequence change replaces serine, which is neutral and polar, with cysteine, which is neutral and slightly polar, at codon 1937 of the APC protein (p.Ser1937Cys). This variant is not present in population databases (gnomAD no frequency). This variant has not been reported in the literature in individuals affected with APC-related conditions. ClinVar contains an entry for this variant (Variation ID: 1436659). Advanced modeling of protein sequence and biophysical properties (such as structural, functional, and spatial information, amino acid conservation, physicochemical variation, residue mobility, and thermodynamic stability) performed at Invitae indicates that this missense variant is not expected to disrupt APC protein function with a negative predictive value of 95%. In summary, the available evidence is currently insufficient to determine the role of this variant in disease. Therefore, it has been classified as a Variant of Uncertain Significance.

NM_000038.6(APC):c.5810C>G (p.Ser1937Cys)

Gene: APC (APC regulator of Wnt signaling pathway; plus strand). Cytogenetic location: 5q22.2.
Variant type: single nucleotide variant.
Coding change: c.5810C>G on transcript NM_000038.6 (MANE Select); coding-DNA position 5810, C replaced by G.
Protein change: p.Ser1937Cys; replaces serine 1937 with cysteine.
Molecular consequence: missense variant.
Genome position (GRCh38, 1-based): chr5:112,841,404, C>G. VCF-style: chr5-112841404-C-G. GRCh37 (hg19) VCF-style: chr5-112177101-C-G.
Other names: c.5810C>G, p.Ser1937Cys (NM_001127510.3, NM_001354895.2); c.5756C>G, p.Ser1919Cys (NM_001127511.3); c.5864C>G, p.Ser1955Cys (NM_001354896.2); c.5840C>G, p.Ser1947Cys (NM_001354897.2); c.5735C>G, p.Ser1912Cys (NM_001354898.2); c.5726C>G, p.Ser1909Cys (NM_001354899.2); c.5687C>G, p.Ser1896Cys (NM_001354900.2); c.5633C>G, p.Ser1878Cys (NM_001354901.2); and 5 more; short protein forms S1912C, S1919C, S1947C, S1654C, S1836C, S1846C, S1878C, S1909C.
Identifiers: ClinVar variation 1436659 (VCV001436659.8), dbSNP rs1561602823, ClinGen allele CA16034042.